The following is an entry in ClinVar:

NM_001079843.3(CASZ1):c.4240A>G (p.Lys1414Glu)

Gene: CASZ1 (castor zinc finger 1; minus strand). Cytogenetic location: 1p36.22.
Variant type: single nucleotide variant.
Coding change: c.4240A>G on transcript NM_001079843.3 (MANE Select); coding-DNA position 4240, A replaced by G.
Protein change: p.Lys1414Glu; replaces lysine 1414 with glutamic acid.
Molecular consequence: missense variant.
Genome position (GRCh38, 1-based): chr1:10,639,982, T>C on the plus strand (A>G on the coding strand, the complement: CASZ1 is on the minus strand). VCF-style: chr1-10639982-T-C. GRCh37 (hg19) VCF-style: chr1-10700039-T-C.
Other names: short protein forms K1414E.
Identifiers: ClinVar variation 4074337 (VCV004074337.1).

ClinVar aggregate classification (germline): Uncertain significance (1 of 4 stars; one submission).

Submission:

GeneDx
Classification: Uncertain significance. Last evaluated: 2025-02-11. Review status: criteria provided, single submitter. Criteria: GeneDx Variant Classification Process June 2021. Collection method: clinical testing. Allele origin: germline. Affected: yes.
Comment: Not observed at significant frequency in large population cohorts (gnomAD); In silico analysis indicates that this missense variant does not alter protein structure/function; Has not been previously published as pathogenic or benign to our knowledge